The following is an entry in ClinVar:

NM_032608.7(MYO18B):c.7226G>A (p.Arg2409His)

Gene: MYO18B (myosin XVIIIB; plus strand). Cytogenetic location: 22q12.1.
Variant type: single nucleotide variant.
Coding change: c.7226G>A on transcript NM_032608.7 (MANE Select); coding-DNA position 7226, G replaced by A.
Protein change: p.Arg2409His; replaces arginine 2409 with histidine.
Molecular consequence: missense variant.
Genome position (GRCh38, 1-based): chr22:26,027,200, G>A. VCF-style: chr22-26027200-G-A. GRCh37 (hg19) VCF-style: chr22-26423166-G-A.
Other names: c.7229G>A, p.Arg2410His (NM_001318245.2); c.7226G>A (NM_032608.5); short protein forms R2409H, R2410H.
Identifiers: ClinVar variation 1521465 (VCV001521465.4), dbSNP rs751617261, ClinGen allele CA10161730.
Genomic context (GRCh38, chr22:26,027,200, plus strand): 5'-CCTCTGTGGACGATGCGGGCTGTCCAGACCTTGGAAAGGAGCCGCTTGTTTTCCAGAACC[G>A]CCAGTTTGCCCACCTGATGGAGGAACCTCTAGGCAGTGACCCATTCAGCTGGAAACTCCC-3'
Protein context (NP_115997.5, residues 2399-2419): LGKEPLVFQN[Arg2409His]QFAHLMEEPL

ClinVar aggregate classification (germline): Uncertain significance. Review status: criteria provided, multiple submitters, no conflicts (2 of 4 stars). 2 submissions from 2 submitters: Uncertain significance (2). Last evaluated 2024-08-14.

Conditions:
Inborn genetic diseases. Identifiers: MedGen C0950123, MeSH D030342.

Allele frequency attached by ClinVar (database versions not stated): gnomAD 0.00001; gnomAD exomes 0.00001 and 0.00002; ExAC 0.00002.
gnomAD v4.1: 23 of 1,613,880 alleles (0.0014%); highest among the groups gnomAD compares: Non-Finnish European, 0.0018%; no homozygotes.

Submissions (2):

Ambry Genetics
Classification: Uncertain significance for Inborn genetic diseases. Last evaluated: 2024-08-14. Review status: criteria provided, single submitter. Criteria: Ambry Variant Classification Scheme 2023. Collection method: clinical testing. Allele origin: germline.

Labcorp Genetics (formerly Invitae), Labcorp
Classification: Uncertain significance. Last evaluated: 2022-08-09. Review status: criteria provided, single submitter. Criteria: Invitae Variant Classification Sherloc (09022015). Collection method: clinical testing. Allele origin: germline.
Comment: This sequence change replaces arginine, which is basic and polar, with histidine, which is basic and polar, at codon 2409 of the MYO18B protein (p.Arg2409His). This variant is present in population databases (rs751617261, gnomAD 0.003%). This variant has not been reported in the literature in individuals affected with MYO18B-related conditions. ClinVar contains an entry for this variant (Variation ID: 1521465). Algorithms developed to predict the effect of missense changes on protein structure and function are either unavailable or do not agree on the potential impact of this missense change (SIFT: "Not Available"; PolyPhen-2: "Probably Damaging"; Align-GVGD: "Not Available"). In summary, the available evidence is currently insufficient to determine the role of this variant in disease. Therefore, it has been classified as a Variant of Uncertain Significance.